The following is an entry in ClinVar:

ClinVar aggregate classification (germline): Likely benign (1 of 4 stars; one submission).

Allele frequency attached by ClinVar (database versions not stated): ExAC 0.00001; gnomAD 0.00001; gnomAD exomes 0.00001; TOPMed 0.00001.
gnomAD v4.1: 13 of 1,545,484 alleles (0.00084%); highest among the groups gnomAD compares: Non-Finnish European, 0.0011%; no homozygotes.

Submission:

CeGaT Center for Human Genetics Tuebingen
Classification: Likely benign. Last evaluated: 2023-03-01. Review status: criteria provided, single submitter. Criteria: CeGaT Center For Human Genetics Tuebingen Variant Classification Criteria Version 2. Collection method: clinical testing. Allele origin: germline. Affected: yes. Observed: 1 variant allele.
Comment: NTN5: BP4, BP7

NM_145807.4(NTN5):c.1416C>T (p.Ala472=)

Gene: NTN5 (netrin 5; minus strand). Cytogenetic location: 19q13.33.
Variant type: single nucleotide variant.
Coding change: c.1416C>T on transcript NM_145807.4 (MANE Select); coding-DNA position 1416, C replaced by T.
Protein change: p.Ala472=; no amino-acid change (alanine 472 retained).
Molecular consequence: synonymous variant.
Genome position (GRCh38, 1-based): chr19:48,661,731, G>A on the plus strand (C>T on the coding strand, the complement: NTN5 is on the minus strand). VCF-style: chr19-48661731-G-A. GRCh37 (hg19) VCF-style: chr19-49164988-G-A.
Identifiers: ClinVar variation 2650215 (VCV002650215.24), dbSNP rs757838150, ClinGen allele CA9555536.